The following is an entry in ClinVar:

ClinVar aggregate classification (germline): Likely benign (1 of 4 stars; one submission).

Conditions:
BDP1-related disorder. Also called: BDP1-related condition.

gnomAD v4.1: 46 of 1,609,906 alleles (0.0029%); highest among the groups gnomAD compares: South Asian, 0.021%; no homozygotes.

Submission:

PreventionGenetics, part of Exact Sciences
Classification: Likely benign for BDP1-related condition. Last evaluated: 2026-02-12. Review status: criteria provided, single submitter. Criteria: ACMG Guidelines, 2015. Collection method: clinical testing. Allele origin: germline.
Comment: This variant is classified as likely benign based on ACMG/AMP sequence variant interpretation guidelines (Richards et al. 2015 PMID: 25741868, with internal and published modifications).

NM_018429.3(BDP1):c.45T>A (p.Pro15=)

Gene: BDP1 (BDP1 general transcription factor IIIB subunit; plus strand). Cytogenetic location: 5q13.2.
Variant type: single nucleotide variant.
Coding change: c.45T>A on transcript NM_018429.3 (MANE Select); coding-DNA position 45, T replaced by A.
Protein change: p.Pro15=; no amino-acid change (proline 15 retained).
Molecular consequence: synonymous variant.
Genome position (GRCh38, 1-based): chr5:71,455,922, T>A. VCF-style: chr5-71455922-T-A. GRCh37 (hg19) VCF-style: chr5-70751749-T-A.
Identifiers: ClinVar variation 4987088 (VCV004987088.1).